The following is an entry in ClinVar:

NM_032119.4(ADGRV1):c.6229G>A (p.Glu2077Lys)

Gene: ADGRV1 (adhesion G protein-coupled receptor V1; plus strand). Cytogenetic location: 5q14.3.
Variant type: single nucleotide variant.
Coding change: c.6229G>A on transcript NM_032119.4 (MANE Select); coding-DNA position 6229, G replaced by A.
Protein change: p.Glu2077Lys; replaces glutamic acid 2077 with lysine.
Molecular consequence: missense variant. On other transcripts: non-coding transcript variant (1).
Genome position (GRCh38, 1-based): chr5:90,684,150, G>A. VCF-style: chr5-90684150-G-A. GRCh37 (hg19) VCF-style: chr5-89979967-G-A.
Other names: c.6229G>A (NM_032119.3); short protein forms E2077K.
Identifiers: ClinVar variation 287335 (VCV000287335.14), dbSNP rs200372116, ClinGen allele CA3339727.

ClinVar aggregate classification (germline): Conflicting classifications of pathogenicity. Review status: criteria provided, conflicting classifications (1 of 4 stars). 5 submissions from 5 submitters: Uncertain significance (4); Likely benign (1). Last evaluated 2026-03-12.

Conditions:
ADGRV1-related disorder. Also called: ADGRV1-related condition; ADGRV1-related disorders.

Allele frequency attached by ClinVar (database versions not stated): gnomAD exomes 0.00005 and 0.00003; ExAC 0.00006; gnomAD 0.00013 and 0.00019; TOPMed 0.00018; ESP Exome Variant Server 0.00025; 1000 Genomes Project 0.00040; 1000 Genomes Project 30x 0.00047.
gnomAD v4.1: 94 of 1,613,564 alleles (0.0058%); highest among the groups gnomAD compares: African/African-American, 0.088%; 2 homozygotes.

Submissions (5):

PreventionGenetics, part of Exact Sciences
Classification: Uncertain significance for ADGRV1-related condition. Last evaluated: 2026-03-12. Review status: criteria provided, single submitter. Criteria: ACMG Guidelines, 2015. Collection method: clinical testing. Allele origin: germline.
Comment: The ADGRV1 c.6229G>A variant is predicted to result in the amino acid substitution p.Glu2077Lys. To our knowledge, this variant has not been reported in the literature. This variant is reported in 0.050% of alleles in individuals of African descent in gnomAD. At this time, the clinical significance of this variant is uncertain due to the absence of conclusive functional and genetic evidence.

Labcorp Genetics (formerly Invitae), Labcorp
Classification: Likely benign. Last evaluated: 2026-01-27. Review status: criteria provided, single submitter. Criteria: Invitae Variant Classification Sherloc (09022015). Collection method: clinical testing. Allele origin: germline.

Blueprint Genetics
Classification: Uncertain significance. Last evaluated: 2024-10-10. Review status: criteria provided, single submitter. Criteria: ACMG Guidelines, 2015. Collection method: clinical testing. Allele origin: germline.

Eurofins Ntd Llc (ga)
Classification: Uncertain significance. Last evaluated: 2016-05-24. Review status: criteria provided, single submitter. Criteria: EGL Classification Definitions 2015. Collection method: clinical testing. Allele origin: germline. Observed: 1 variant allele, 1 heterozygote.

Breakthrough Genomics
Classification: Uncertain significance. Review status: criteria provided, single submitter. Criteria: ACMG Guidelines, 2015. Collection method: not provided. Allele origin: germline. Inheritance: Autosomal recessive inheritance. Affected: yes.